The following is an entry in ClinVar:

ClinVar aggregate classification (germline): Uncertain significance. Review status: criteria provided, multiple submitters, no conflicts (2 of 4 stars). 2 submissions from 2 submitters: Uncertain significance (2). Last evaluated 2025-10-06.

Allele frequency attached by ClinVar (database versions not stated): gnomAD exomes below 0.00001; gnomAD 0.00001; TOPMed below 0.00001; ExAC 0.00001.
gnomAD v4.1: 3 of 1,613,930 alleles (0.00019%); highest among the groups gnomAD compares: Admixed American, 0.0017%; no homozygotes.

Submissions (2):

Mayo Clinic Laboratories, Mayo Clinic
Classification: Uncertain significance. Last evaluated: 2025-10-06. Review status: criteria provided, single submitter. Criteria: ACMG Guidelines, 2015. Collection method: clinical testing. Allele origin: germline. Observed: 1 variant allele.
Comment: PM2_supporting

Revvity Omics, Revvity
Classification: Uncertain significance. Last evaluated: 2019-05-13. Review status: criteria provided, single submitter. Criteria: ACMG Guidelines, 2015. Collection method: clinical testing. Allele origin: germline.

NM_182961.4(SYNE1):c.701C>T (p.Ser234Phe)

Gene: SYNE1 (spectrin repeat containing nuclear envelope protein 1; minus strand). Cytogenetic location: 6q25.2.
Variant type: single nucleotide variant.
Coding change: c.701C>T on transcript NM_182961.4 (MANE Select); coding-DNA position 701, C replaced by T.
Protein change: p.Ser234Phe; replaces serine 234 with phenylalanine.
Molecular consequence: missense variant.
Genome position (GRCh38, 1-based): chr6:152,505,278, G>A on the plus strand (C>T on the coding strand, the complement: SYNE1 is on the minus strand). VCF-style: chr6-152505278-G-A. GRCh37 (hg19) VCF-style: chr6-152826413-G-A.
Other names: p.Ser241Phe; c.722C>T, p.Ser241Phe (NM_033071.5); short protein forms S234F, S241F.
Identifiers: ClinVar variation 2436558 (VCV002436558.4), dbSNP rs773755776, ClinGen allele CA4059650.
Genomic context (GRCh38, chr6:152,505,278, plus strand): 5'-CTTGGGATCCCCAGTTCTGTTTCGGCGATAGTGAAAGCATCCTCCAAATTTTCTCGGTTG[G>A]ATCTGCCTTTCACTGTCTCCAAGTCCACCAATTCCGGTCGAATGGCATGAATAACTGAAT-3'
Protein context (NP_892006.3, residues 224-244): LVDLETVKGR[Ser234Phe]NRENLEDAFT